The following is an entry in ClinVar:

ClinVar aggregate classification (germline): Conflicting classifications of pathogenicity. Review status: criteria provided, conflicting classifications (1 of 4 stars). 2 submissions from 2 submitters: Likely pathogenic (1); Uncertain significance (1). Last evaluated 2022-10-12.

Conditions:
PDE6B-related disorder. Also called: PDE6B-related disease; PDE6B-related condition; PDE6B-related disorders.

Allele frequency attached by ClinVar (database versions not stated): ExAC 0.00003; ESP Exome Variant Server 0.00015.
gnomAD v4.1: 49 of 1,610,470 alleles (0.003%); highest among the groups gnomAD compares: African/African-American, 0.0067%; no homozygotes.

Submissions (2):

Labcorp Genetics (formerly Invitae), Labcorp
Classification: Uncertain significance. Last evaluated: 2022-10-12. Review status: criteria provided, single submitter. Criteria: Invitae Variant Classification Sherloc (09022015). Collection method: clinical testing. Allele origin: germline.
Comment: This sequence change replaces alanine, which is neutral and non-polar, with threonine, which is neutral and polar, at codon 733 of the PDE6B protein (p.Ala733Thr). This variant is present in population databases (rs367879245, gnomAD 0.01%). This variant has not been reported in the literature in individuals affected with PDE6B-related conditions. Algorithms developed to predict the effect of missense changes on protein structure and function (SIFT, PolyPhen-2, Align-GVGD) all suggest that this variant is likely to be disruptive. This variant disrupts the p.Ala733 amino acid residue in PDE6B. Other variant(s) that disrupt this residue have been determined to be pathogenic (PMID: 28488341, 30998820). This suggests that this residue is clinically significant, and that variants that disrupt this residue are likely to be disease-causing. In summary, the available evidence is currently insufficient to determine the role of this variant in disease. Therefore, it has been classified as a Variant of Uncertain Significance.

Blueprint Genetics
Classification: Likely pathogenic for PDE6B-related disorders. Last evaluated: 2022-07-06. Review status: criteria provided, single submitter. Criteria: ACMG Guidelines, 2015. Collection method: clinical testing. Allele origin: germline. Affected: yes. Observed: 4 variant alleles.

Literature cited by the submitters: PubMed 28488341 (cited by Labcorp Genetics (formerly Invitae), Labcorp); PubMed 30998820 (cited by Labcorp Genetics (formerly Invitae), Labcorp).

NM_000283.4(PDE6B):c.2197G>A (p.Ala733Thr)

Gene: PDE6B (phosphodiesterase 6B; plus strand). Cytogenetic location: 4p16.3.
Variant type: single nucleotide variant.
Coding change: c.2197G>A on transcript NM_000283.4 (MANE Select); coding-DNA position 2197, G replaced by A.
Protein change: p.Ala733Thr; replaces alanine 733 with threonine.
Molecular consequence: missense variant.
Genome position (GRCh38, 1-based): chr4:665,258, G>A. VCF-style: chr4-665258-G-A. GRCh37 (hg19) VCF-style: chr4-659047-G-A.
Other names: c.2197G>A, p.Ala733Thr (NM_001145291.2); c.1360G>A, p.Ala454Thr (NM_001145292.2, NM_001350154.3, NM_001379246.1 and 1 more transcripts); c.1042G>A, p.Ala348Thr (NM_001350155.3); short protein forms A348T, A733T, A454T.
Identifiers: ClinVar variation 2143066 (VCV002143066.5), dbSNP rs367879245, ClinGen allele CA2794952.
Genomic context (GRCh38, chr4:665,258, plus strand): 5'-CGGGCCCTTCCGCGTGGGCTCAGAGCTCCACAGACAGCTGCCTTCCTGTGCCTCCAGGTC[G>A]CACTTCTCGTGGCTGCTGAGTTCTGGGAGCAAGGTGACTTGGAAAGGACAGTCTTGGATC-3'
Protein context (NP_000274.3, residues 723-743): TKPWEVQSKV[Ala733Thr]LLVAAEFWEQ